The following is an entry in ClinVar:

ClinVar aggregate classification (germline): Likely benign (1 of 4 stars; one submission).

Allele frequency attached by ClinVar (database versions not stated): gnomAD exomes 0.00012; ExAC 0.00042; 1000 Genomes Project 0.00120; gnomAD 0.00156; ESP Exome Variant Server 0.00169; 1000 Genomes Project 30x 0.00172.
gnomAD v4.1: 366 of 1,556,894 alleles (0.024%); highest among the groups gnomAD compares: African/African-American, 0.47%; 20 homozygotes.

Submission:

CeGaT Center for Human Genetics Tuebingen
Classification: Likely benign. Last evaluated: 2024-01-01. Review status: criteria provided, single submitter. Criteria: CeGaT Center For Human Genetics Tuebingen Variant Classification Criteria Version 2. Collection method: clinical testing. Allele origin: germline. Affected: yes. Observed: 3 variant alleles.
Comment: MUC21: BP4, BS2

NM_001010909.5(MUC21):c.1057A>C (p.Thr353Pro)

Genes: MUC21 (mucin 21, cell surface associated; plus strand), LOC126859647 (CDK7 strongly-dependent group 2 enhancer GRCh37_chr6:30954612-30955811; plus strand). Cytogenetic location: 6p21.33.
Variant type: single nucleotide variant.
Coding change: c.1057A>C on transcript NM_001010909.5 (MANE Select); coding-DNA position 1057, A replaced by C.
Protein change: p.Thr353Pro; replaces threonine 353 with proline.
Molecular consequence: missense variant. On other transcripts: no sequence alteration (1), non-coding transcript variant (1).
Genome position (GRCh38, 1-based): chr6:30,987,232, A>C. VCF-style: chr6-30987232-A-C. GRCh37 (hg19) VCF-style: chr6-30955009-A-C.
Other names: c.1147G>C, p.Val383Leu (NM_001322370.2); c.1147=, p.Pro383= (NM_001322371.2); short protein forms T353P, V383L.
Identifiers: ClinVar variation 2656371 (VCV002656371.24), dbSNP rs41288687, ClinGen allele CA3707399.